The following is an entry in ClinVar:

ClinVar aggregate classification (germline): Uncertain significance (1 of 4 stars; one submission).

Conditions:
Bardet-Biedl syndrome (BBS). Identifiers: Orphanet 110, MedGen C0752166, MONDO:0015229.

gnomAD v4.1: 4 of 1,614,070 alleles (0.00025%); highest among the groups gnomAD compares: Non-Finnish European, 0.00034%; no homozygotes.

Submission:

Labcorp Genetics (formerly Invitae), Labcorp
Classification: Uncertain significance for Bardet-Biedl syndrome. Last evaluated: 2022-08-12. Review status: criteria provided, single submitter. Criteria: Invitae Variant Classification Sherloc (09022015). Collection method: clinical testing. Allele origin: germline.
Comment: This variant is not present in population databases (gnomAD no frequency). This sequence change replaces aspartic acid, which is acidic and polar, with glycine, which is neutral and non-polar, at codon 497 of the BBS10 protein (p.Asp497Gly). This variant has not been reported in the literature in individuals affected with BBS10-related conditions. In summary, the available evidence is currently insufficient to determine the role of this variant in disease. Therefore, it has been classified as a Variant of Uncertain Significance. Algorithms developed to predict the effect of sequence changes on RNA splicing suggest that this variant may create or strengthen a splice site. Algorithms developed to predict the effect of missense changes on protein structure and function output the following: SIFT: "Tolerated"; PolyPhen-2: "Benign"; Align-GVGD: "Class C0". The glycine amino acid residue is found in multiple mammalian species, which suggests that this missense change does not adversely affect protein function.

NM_024685.4(BBS10):c.1490A>G (p.Asp497Gly)

Gene: BBS10 (Bardet-Biedl syndrome 10; minus strand). Cytogenetic location: 12q21.2.
Variant type: single nucleotide variant.
Coding change: c.1490A>G on transcript NM_024685.4 (MANE Select); coding-DNA position 1490, A replaced by G.
Protein change: p.Asp497Gly; replaces aspartic acid 497 with glycine.
Molecular consequence: missense variant.
Genome position (GRCh38, 1-based): chr12:76,346,495, T>C on the plus strand (A>G on the coding strand, the complement: BBS10 is on the minus strand). VCF-style: chr12-76346495-T-C. GRCh37 (hg19) VCF-style: chr12-76740275-T-C.
Other names: short protein forms D497G.
Identifiers: ClinVar variation 1942363 (VCV001942363.5), dbSNP rs753629989, ClinGen allele CA239331767.